The following is an entry in ClinVar:

NM_003590.5(CUL3):c.1588C>T (p.His530Tyr)

Gene: CUL3 (cullin 3; minus strand). Cytogenetic location: 2q36.2.
Variant type: single nucleotide variant.
Coding change: c.1588C>T on transcript NM_003590.5 (MANE Select); coding-DNA position 1588, C replaced by T.
Protein change: p.His530Tyr; replaces histidine 530 with tyrosine.
Molecular consequence: missense variant.
Genome position (GRCh38, 1-based): chr2:224,500,385, G>A on the plus strand (C>T on the coding strand, the complement: CUL3 is on the minus strand). VCF-style: chr2-224500385-G-A. GRCh37 (hg19) VCF-style: chr2-225365102-G-A.
Other names: c.1390C>T, p.His464Tyr (NM_001257197.2); c.1606C>T, p.His536Tyr (NM_001257198.2); short protein forms H464Y, H530Y, H536Y.
Identifiers: ClinVar variation 3609910 (VCV003609910.2).

ClinVar aggregate classification (germline): Uncertain significance (1 of 4 stars; one submission).

gnomAD v4.1: 4 of 1,614,060 alleles (0.00025%); highest among the groups gnomAD compares: African/African-American, 0.0013%; no homozygotes.

Submission:

Labcorp Genetics (formerly Invitae), Labcorp
Classification: Uncertain significance. Last evaluated: 2024-08-24. Review status: criteria provided, single submitter. Criteria: Invitae Variant Classification Sherloc (09022015). Collection method: clinical testing. Allele origin: germline.
Comment: This sequence change replaces histidine, which is basic and polar, with tyrosine, which is neutral and polar, at codon 530 of the CUL3 protein (p.His530Tyr). This variant is present in population databases (rs541968614, gnomAD 0.007%). This variant has not been reported in the literature in individuals affected with CUL3-related conditions. Invitae Evidence Modeling of protein sequence and biophysical properties (such as structural, functional, and spatial information, amino acid conservation, physicochemical variation, residue mobility, and thermodynamic stability) indicates that this missense variant is not expected to disrupt CUL3 protein function with a negative predictive value of 80%. In summary, the available evidence is currently insufficient to determine the role of this variant in disease. Therefore, it has been classified as a Variant of Uncertain Significance.